The following is an entry in ClinVar:

ClinVar aggregate classification (germline): Uncertain significance (1 of 4 stars; one submission).

Conditions:
Brugada syndrome 8 (BRGDA8). Identifiers: Orphanet 130, MedGen C2751083, MONDO:0013148, OMIM 613123.

Allele frequency attached by ClinVar (database versions not stated): ExAC 0.00001; gnomAD exomes 0.00001.
gnomAD v4.1: 9 of 1,611,042 alleles (0.00056%); highest among the groups gnomAD compares: South Asian, 0.0088%; no homozygotes.

Submission:

Labcorp Genetics (formerly Invitae), Labcorp
Classification: Uncertain significance for Brugada syndrome 8. Last evaluated: 2024-08-06. Review status: criteria provided, single submitter. Criteria: Invitae Variant Classification Sherloc (09022015). Collection method: clinical testing. Allele origin: germline.
Comment: This sequence change replaces glycine, which is neutral and non-polar, with serine, which is neutral and polar, at codon 209 of the HCN4 protein (p.Gly209Ser). This variant is present in population databases (rs756993031, gnomAD 0.006%). This variant has not been reported in the literature in individuals affected with HCN4-related conditions. ClinVar contains an entry for this variant (Variation ID: 1399242). Advanced modeling of protein sequence and biophysical properties (such as structural, functional, and spatial information, amino acid conservation, physicochemical variation, residue mobility, and thermodynamic stability) performed at Invitae indicates that this missense variant is not expected to disrupt HCN4 protein function with a negative predictive value of 80%. In summary, the available evidence is currently insufficient to determine the role of this variant in disease. Therefore, it has been classified as a Variant of Uncertain Significance.

NM_005477.3(HCN4):c.625G>A (p.Gly209Ser)

Gene: HCN4 (hyperpolarization activated cyclic nucleotide gated potassium channel 4; minus strand). Cytogenetic location: 15q24.1.
Variant type: single nucleotide variant.
Coding change: c.625G>A on transcript NM_005477.3 (MANE Select); coding-DNA position 625, G replaced by A.
Protein change: p.Gly209Ser; replaces glycine 209 with serine.
Molecular consequence: missense variant.
Genome position (GRCh38, 1-based): chr15:73,367,646, C>T on the plus strand (G>A on the coding strand, the complement: HCN4 is on the minus strand). VCF-style: chr15-73367646-C-T. GRCh37 (hg19) VCF-style: chr15-73659987-C-T.
Other names: short protein forms G209S.
Identifiers: ClinVar variation 1399242 (VCV001399242.7), dbSNP rs756993031, ClinGen allele CA7649448.
Genomic context (GRCh38, chr15:73,367,646, plus strand): 5'-ATTTGTTGACCCCGGGTTGGAGCATGGCCCCGAACTGGCGCTGCATGAAGCCGGCCTGGC[C>T]CAGGCGCACCTCGGCCTCCGGGAGGATCTGGTCGCCGGCAGCCGCGCCTCCCTCCACTTT-3'
Protein context (NP_005468.1, residues 199-219): QILPEAEVRL[Gly209Ser]QAGFMQRQFG